The following is an entry in ClinVar:

ClinVar aggregate classification (germline): Benign (1 of 4 stars; one submission).

Submission:

GeneDx
Classification: Benign. Last evaluated: 2018-06-14. Review status: criteria provided, single submitter. Criteria: GeneDx Variant Classification (06012015). Collection method: clinical testing. Allele origin: germline. Affected: yes.
Comment: This variant is considered likely benign or benign based on one or more of the following criteria: it is a conservative change, it occurs at a poorly conserved position in the protein, it is predicted to be benign by multiple in silico algorithms, and/or has population frequency not consistent with disease.

NM_001876.4(CPT1A):c.1876-256dup

Gene: CPT1A (carnitine palmitoyltransferase 1A; minus strand). Cytogenetic location: 11q13.3.
Variant type: Duplication.
Coding change: c.1876-256dup on transcript NM_001876.4 (MANE Select); 256 bases into the intron before coding-DNA position 1876, one base duplicated (T; older notation c.1876-256dupT).
Molecular consequence: intron variant.
Genome position (GRCh38, 1-based): chr11:68,761,943, A duplicated on the plus strand (T on the coding strand, the reverse complement: CPT1A is on the minus strand); the first of 6 consecutive A bases (chr11:68,761,943-68,761,948); duplicating any one gives the same sequence. VCF-style (leftmost placement, unchanged base first): chr11-68761942-G-GA. GRCh37 (hg19) VCF-style: chr11-68529410-G-GA.
Other names: c.1876-256dup (NM_001031847.3).
Identifiers: ClinVar variation 673759 (VCV000673759.1), dbSNP rs5792450, ClinGen allele CA223366564.
Genomic context (GRCh38, chr11:68,761,942, plus strand): 5'-ATTACAGGCGTGAGTCACCGCGCCCGGTCTGACAGCCTTTCCAGAATGAAGTTTGTCTCG[G>GA]AAAAAAGAGCCCTGGCCAGTGTCTCCTCTGGGGATCAGCGGAAAGCACCTGCACGCTCTG-3'